The following is an entry in ClinVar:

ClinVar aggregate classification (germline): Uncertain significance (1 of 4 stars; one submission).

gnomAD v4.1: 7 of 1,509,432 alleles (0.00046%); highest among the groups gnomAD compares: South Asian, 0.0027%; no homozygotes.

Submission:

Ambry Genetics
Classification: Uncertain significance. Last evaluated: 2025-12-10. Review status: criteria provided, single submitter. Criteria: Ambry Variant Classification Scheme 2023. Collection method: clinical testing. Allele origin: germline.
Comment: The p.G807V variant (also known as c.2420G>T) is located in coding exon 6 of the CDK12 gene. The glycine at codon 807 is replaced by valine, an amino acid with dissimilar properties. This change occurs in the first base pair of coding exon 6. This amino acid position is conserved. In addition, this alteration is predicted to be deleterious by in silico analysis. Based on the available evidence, the clinical significance of this variant remains unclear.

NM_016507.4(CDK12):c.2420G>T (p.Gly807Val)

Gene: CDK12 (cyclin dependent kinase 12; plus strand). Cytogenetic location: 17q12.
Variant type: single nucleotide variant.
Coding change: c.2420G>T on transcript NM_016507.4 (MANE Select); coding-DNA position 2420, G replaced by T.
Protein change: p.Gly807Val; replaces glycine 807 with valine.
Molecular consequence: missense variant.
Genome position (GRCh38, 1-based): chr17:39,501,250, G>T. VCF-style: chr17-39501250-G-T. GRCh37 (hg19) VCF-style: chr17-37657503-G-T.
Other names: c.2420G>T, p.Gly807Val (NM_015083.4); short protein forms G807V.
Identifiers: ClinVar variation 4651488 (VCV004651488.1).